The following is an entry in ClinVar:

NM_022455.5(NSD1):c.6504_6512del (p.Lys2169_Ala2171del)

Gene: NSD1 (nuclear receptor binding SET domain protein 1; plus strand). Cytogenetic location: 5q35.3.
Variant type: Deletion.
Coding change: c.6504_6512del on transcript NM_022455.5 (MANE Select); coding-DNA positions 6504 to 6512, 9 bases deleted (GAAGGAAGC; older notation c.6504_6512delGAAGGAAGC).
Protein change: p.Lys2169_Ala2171del.
Molecular consequence: inframe deletion. On other transcripts: inframe indel (11).
Genome position (GRCh38, 1-based): chr5:177,293,872-177,293,880, GAAGGAAGC deleted. VCF-style (leftmost placement, unchanged base first): chr5-177293871-GGAAGGAAGC-G. GRCh37 (hg19) VCF-style: chr5-176720872-GGAAGGAAGC-G.
Other names: c.5631_5639delGAAGGAAGC, p.Lys1878_Ala1880del (NM_001365684.2, NM_001409308.1, NM_172349.5); c.6504_6512delGAAGGAAGC, p.Lys2169_Ala2171del (NM_001409301.1, NM_001409302.1, NM_001409303.1); c.6084_6092delGAAGGAAGC, p.Lys2029_Ala2031del (NM_001409304.1); c.5751_5759delGAAGGAAGC, p.Lys1918_Ala1920del (NM_001409305.1); c.5742_5750delGAAGGAAGC, p.Lys1915_Ala1917del (NM_001409306.1, NM_001409307.1); c.5382_5390delGAAGGAAGC, p.Lys1795_Ala1797del (NM_001409309.1).
Identifiers: ClinVar variation 2131023 (VCV002131023.4), dbSNP rs2480828627, ClinGen allele CA2580074152.

ClinVar aggregate classification (germline): Uncertain significance (1 of 4 stars; one submission).

Submission:

Labcorp Genetics (formerly Invitae), Labcorp
Classification: Uncertain significance. Last evaluated: 2022-04-28. Review status: criteria provided, single submitter. Criteria: Invitae Variant Classification Sherloc (09022015). Collection method: clinical testing. Allele origin: germline.
Comment: This variant, c.6504_6512del, results in the deletion of 3 amino acid(s) of the NSD1 protein (p.Lys2169_Ala2171del), but otherwise preserves the integrity of the reading frame. This variant is not present in population databases (gnomAD no frequency). This variant has not been reported in the literature in individuals affected with NSD1-related conditions. Experimental studies and prediction algorithms are not available or were not evaluated, and the functional significance of this variant is currently unknown. In summary, the available evidence is currently insufficient to determine the role of this variant in disease. Therefore, it has been classified as a Variant of Uncertain Significance.